The following is an entry in ClinVar:

ClinVar aggregate classification (germline): Pathogenic (1 of 4 stars; one submission).

Conditions:
Marfan syndrome (MFS). Also called: MARFAN SYNDROME, TYPE I; Marfan syndrome type 1; Marfan's syndrome; Marfan syndrome, classic; FBN1-Related Marfan Syndrome. Identifiers: Orphanet 284963, Orphanet 558, MedGen C0024796, MONDO:0007947, OMIM 154700.
Familial thoracic aortic aneurysm and aortic dissection (TAAD). Also called: Thoracic aortic aneurysms and dissections. Identifiers: Orphanet 91387, MedGen C4707243, MONDO:0019625.

Submission:

Labcorp Genetics (formerly Invitae), Labcorp
Classification: Pathogenic for Marfan syndrome; Familial thoracic aortic aneurysm and aortic dissection. Last evaluated: 2021-05-19. Review status: criteria provided, single submitter. Criteria: Invitae Variant Classification Sherloc (09022015). Collection method: clinical testing. Allele origin: germline.
Comment: For these reasons, this variant has been classified as Pathogenic. This variant has not been reported in the literature in individuals with FBN1-related conditions. This variant is not present in population databases (ExAC no frequency). This sequence change creates a premature translational stop signal (p.Gln351Valfs*10) in the FBN1 gene. It is expected to result in an absent or disrupted protein product. Loss-of-function variants in FBN1 are known to be pathogenic (PMID: 17657824, 19293843).

Literature cited by the submitters: PubMed 17657824; PubMed 19293843.

NM_000138.5(FBN1):c.1051_1052del (p.Gln351fs)

Genes: FBN1 (fibrillin 1; minus strand), LOC113939944 (Sharpr-MPRA regulatory region 9539; plus strand). Cytogenetic location: 15q21.1.
Variant type: Microsatellite.
Coding change: c.1051_1052del on transcript NM_000138.5 (MANE Select); coding-DNA positions 1051 to 1052, 2 bases deleted (CA; older notation c.1051_1052delCA).
Protein change: p.Gln351fs; shifts the reading frame from glutamine 351.
Molecular consequence: frameshift variant.
Genome position (GRCh38, 1-based): chr15:48,520,754-48,520,755, TG deleted on the plus strand (CA on the coding strand, the reverse complement: FBN1 is on the minus strand); deleting any 2 consecutive bases within chr15:48,520,754-48,520,757 gives the same sequence; the c. name uses the placement nearest the transcript's 3' end. VCF-style (leftmost placement, unchanged base first): chr15-48520753-CTG-C. GRCh37 (hg19) VCF-style: chr15-48812950-CTG-C.
Other names: short protein forms Q351fs.
Identifiers: ClinVar variation 1452978 (VCV001452978.6), dbSNP rs2141336143, ClinGen allele CA2580613815.
Genomic context (GRCh38, chr15:48,520,753, plus strand): 5'-AGTGACCCCTGGAGACCAGCATCGGCCGGCATCACAGCAGCACTGCATTTTGGTTATGGA[CTG>C]TGGCAGCTGGTTAGAGCAGCGCCCGTTTGTCAGAGCTGTGTAACAGTATCCTGGGCGAAC-3'